The following is an entry in ClinVar:

NM_003601.4(SMARCA5):c.2024A>G (p.Asp675Gly)

Gene: SMARCA5 (SNF2 related chromatin remodeling ATPase 5; plus strand). Cytogenetic location: 4q31.21.
Variant type: single nucleotide variant.
Coding change: c.2024A>G on transcript NM_003601.4 (MANE Select); coding-DNA position 2024, A replaced by G.
Protein change: p.Asp675Gly; replaces aspartic acid 675 with glycine.
Molecular consequence: missense variant.
Genome position (GRCh38, 1-based): chr4:143,543,629, A>G. VCF-style: chr4-143543629-A-G. GRCh37 (hg19) VCF-style: chr4-144464782-A-G.
Other names: short protein forms D675G.
Identifiers: ClinVar variation 3365227 (VCV003365227.1).

ClinVar aggregate classification (germline): Uncertain significance (1 of 4 stars; one submission).

Submission:

GeneDx
Classification: Uncertain significance. Last evaluated: 2023-12-02. Review status: criteria provided, single submitter. Criteria: GeneDx Variant Classification Process June 2021. Collection method: clinical testing. Allele origin: germline. Affected: yes.
Comment: Not observed at significant frequency in large population cohorts (gnomAD); In silico analysis supports that this missense variant has a deleterious effect on protein structure/function; Has not been previously published as pathogenic or benign to our knowledge